The following is an entry in ClinVar:

NM_000051.4(ATM):c.5999G>A (p.Ser2000Asn)

Genes: ATM (ATM serine/threonine kinase; plus strand), C11orf65 (chromosome 11 open reading frame 65; minus strand). Cytogenetic location: 11q22.3.
Variant type: single nucleotide variant.
Coding change: c.5999G>A on transcript NM_000051.4 (MANE Select); coding-DNA position 5999, G replaced by A.
Protein change: p.Ser2000Asn; replaces serine 2000 with asparagine.
Molecular consequence: missense variant. On other transcripts: intron variant (2).
Genome position (GRCh38, 1-based): chr11:108,312,491, G>A. VCF-style: chr11-108312491-G-A. GRCh37 (hg19) VCF-style: chr11-108183218-G-A.
Other names: c.5999G>A, p.Ser2000Asn (NM_001351834.2); c.641-3420C>T (NM_001330368.2); c.*39-3420C>T (NM_001351110.2); short protein forms S2000N.
Identifiers: ClinVar variation 407629 (VCV000407629.15), dbSNP rs775921052, ClinGen allele CA6265813.

ClinVar aggregate classification (germline): Conflicting classifications of pathogenicity. Review status: criteria provided, conflicting classifications (1 of 4 stars). 5 submissions from 5 submitters: Uncertain significance (4); Likely benign (1). Last evaluated 2025-10-30.

Conditions:
Hereditary cancer-predisposing syndrome. Also called: Neoplastic Syndromes, Hereditary; Hereditary Cancer Syndrome; Tumor predisposition; Hereditary neoplastic syndrome. Identifiers: Orphanet 140162, MedGen C0027672, MeSH D009386, MONDO:0015356.
Familial cancer of breast. Also called: Hereditary breast cancer; BREAST CANCER, FAMILIAL; hereditary breast carcinoma. Identifiers: Orphanet 227535, MedGen C0346153, MONDO:0016419, OMIM 114480. Disease mechanism: loss of function.
Ataxia-telangiectasia syndrome (AT). Also called: LOUIS-BAR SYNDROME; Cerebello-oculocutaneous telangiectasia; Immunodeficiency with ataxia telangiectasia; Ataxia-telangiectasia, complementation group D; AT, COMPLEMENTATION GROUP C; Ataxia-telangiectasia, complementation group E. Identifiers: Orphanet 100, MedGen C0004135, MONDO:0008840, OMIM 208900.

Allele frequency attached by ClinVar (database versions not stated): gnomAD 0.00001; gnomAD exomes below 0.00001; ExAC 0.00001; TOPMed 0.00001.
gnomAD v4.1: 5 of 1,561,198 alleles (0.00032%); highest among the groups gnomAD compares: African/African-American, 0.0014%; no homozygotes.

Submissions (5):

Ambry Genetics
Classification: Likely benign for Hereditary cancer-predisposing syndrome. Last evaluated: 2025-10-30. Review status: criteria provided, single submitter. Criteria: Ambry Variant Classification Scheme 2023. Collection method: clinical testing. Allele origin: germline.

Labcorp Genetics (formerly Invitae), Labcorp
Classification: Uncertain significance for Ataxia-telangiectasia syndrome. Last evaluated: 2025-10-07. Review status: criteria provided, single submitter. Criteria: Invitae Variant Classification Sherloc (09022015). Collection method: clinical testing. Allele origin: germline.
Comment: This sequence change replaces serine, which is neutral and polar, with asparagine, which is neutral and polar, at codon 2000 of the ATM protein (p.Ser2000Asn). The frequency data for this variant in the population databases is considered unreliable, as metrics indicate poor data quality at this position in the gnomAD database. This variant has not been reported in the literature in individuals affected with ATM-related conditions. ClinVar contains an entry for this variant (Variation ID: 407629). Invitae Evidence Modeling of protein sequence and biophysical properties (such as structural, functional, and spatial information, amino acid conservation, physicochemical variation, residue mobility, and thermodynamic stability) indicates that this missense variant is not expected to disrupt ATM protein function with a negative predictive value of 95%. In summary, the available evidence is currently insufficient to determine the role of this variant in disease. Therefore, it has been classified as a Variant of Uncertain Significance.

Department of Pathology and Laboratory Medicine, Sinai Health System
Classification: Uncertain significance for Familial cancer of breast. Last evaluated: 2024-07-02. Review status: criteria provided, single submitter. Criteria: ACMG Guidelines, 2015. Collection method: clinical testing. Allele origin: germline. Affected: yes.

Baylor Genetics
Classification: Uncertain significance for Familial cancer of breast. Last evaluated: 2024-01-24. Review status: criteria provided, single submitter. Criteria: ACMG Guidelines, 2015. Collection method: clinical testing. Allele origin: unknown.

Genetic Services Laboratory, University of Chicago
Classification: Uncertain significance. Last evaluated: 2021-01-06. Review status: criteria provided, single submitter. Criteria: ACMG Guidelines, 2015. Collection method: clinical testing. Allele origin: germline. Affected: no.
Comment: DNA sequence analysis of the ATM gene demonstrated a sequence change, c.5999G>A, in exon 40 that results in an amino acid change, p.Ser2000Asn. This sequence change does not appear to have been previously described in individuals with ATM-related disorders and has been described in the gnomAD database in one individual with an overall population frequency of 0.0004% (dbSNP rs775921052). The p.Ser2000Asn change affects a moderately conserved amino acid residue located in a domain of the ATM protein that is known to be functional. In-silico pathogenicity prediction tools (SIFT, PolyPhen2, Align GVGD, REVEL) provide contradictory results for the p.Ser2000Asn substitution. Due to these contrasting evidences and the lack of functional studies, the clinical significance of the p.Ser2000Asn change remains unknown at this time.